The following is an entry in ClinVar:

ClinVar aggregate classification (germline): Uncertain significance (1 of 4 stars; one submission).

Allele frequency attached by ClinVar (database versions not stated): ExAC 0.00002; gnomAD 0.00002; TOPMed 0.00002; gnomAD exomes 0.00003.
gnomAD v4.1: 52 of 1,612,834 alleles (0.0032%); highest among the groups gnomAD compares: Middle Eastern, 0.016%; 1 homozygote.

Submission:

Labcorp Genetics (formerly Invitae), Labcorp
Classification: Uncertain significance. Last evaluated: 2025-10-01. Review status: criteria provided, single submitter. Criteria: Invitae Variant Classification Sherloc (09022015). Collection method: clinical testing. Allele origin: germline.
Comment: This sequence change replaces alanine, which is neutral and non-polar, with threonine, which is neutral and polar, at codon 1797 of the ANK3 protein (p.Ala1797Thr). This variant is present in population databases (rs768066896, gnomAD 0.02%). This variant has not been reported in the literature in individuals affected with ANK3-related conditions. ClinVar contains an entry for this variant (Variation ID: 2188014). Invitae Evidence Modeling of protein sequence and biophysical properties (such as structural, functional, and spatial information, amino acid conservation, physicochemical variation, residue mobility, and thermodynamic stability) indicates that this missense variant is not expected to disrupt ANK3 protein function with a negative predictive value of 80%. In summary, the available evidence is currently insufficient to determine the role of this variant in disease. Therefore, it has been classified as a Variant of Uncertain Significance.

NM_020987.5(ANK3):c.5389G>A (p.Ala1797Thr)

Gene: ANK3 (ankyrin 3; minus strand). Cytogenetic location: 10q21.2.
Variant type: single nucleotide variant.
Coding change: c.5389G>A on transcript NM_020987.5 (MANE Select); coding-DNA position 5389, G replaced by A.
Protein change: p.Ala1797Thr; replaces alanine 1797 with threonine.
Molecular consequence: missense variant. On other transcripts: intron variant (4).
Genome position (GRCh38, 1-based): chr10:60,075,492, C>T on the plus strand (G>A on the coding strand, the complement: ANK3 is on the minus strand). VCF-style: chr10-60075492-C-T. GRCh37 (hg19) VCF-style: chr10-61835250-C-T.
Other names: c.4387+5045G>A (NM_001204403.2); c.4408+5045G>A (NM_001204404.2); c.4405+5045G>A (NM_001320874.2); c.1807+5045G>A (NM_001149.4); short protein forms A1797T.
Identifiers: ClinVar variation 2188014 (VCV002188014.3), dbSNP rs768066896, ClinGen allele CA5512022.